The following is an entry in ClinVar:

ClinVar aggregate classification (germline): Pathogenic/Likely pathogenic. Review status: criteria provided, multiple submitters, no conflicts (2 of 4 stars). 2 submissions from 2 submitters: Pathogenic (1); Likely pathogenic (1). Last evaluated 2023-05-30.

Conditions:
Familial cancer of breast. Also called: BREAST CANCER, FAMILIAL; hereditary breast carcinoma; Hereditary breast cancer. Identifiers: Orphanet 227535, MedGen C0346153, MONDO:0016419, OMIM 114480. Disease mechanism: loss of function.
Fanconi anemia complementation group J. Also called: BRIP1-Related Fanconi Anemia. Identifiers: Orphanet 84, MedGen C1836860, MONDO:0012187, OMIM 609054.

Submissions (2):

Myriad Genetics, Inc.
Classification: Likely pathogenic for Familial cancer of breast. Last evaluated: 2023-05-30. Review status: criteria provided, single submitter. Criteria: Myriad Autosomal Dominant, Autosomal Recessive and X-Linked Classification Criteria (2023). Collection method: clinical testing. Allele origin: unknown.
Comment: This variant is considered likely pathogenic. This variant occurs within a consensus splice junction and is predicted to result in abnormal mRNA splicing of either an out-of-frame exon or an in-frame exon necessary for protein stability and/or normal function.

Revvity Omics, Revvity
Classification: Pathogenic for Fanconi anemia complementation group J. Last evaluated: 2019-02-05. Review status: criteria provided, single submitter. Criteria: ACMG Guidelines, 2015. Collection method: clinical testing. Allele origin: germline.

NM_032043.3(BRIP1):c.205+2T>C

Gene: BRIP1 (BRCA1 interacting DNA helicase 1; minus strand). Cytogenetic location: 17q23.2.
Variant type: single nucleotide variant.
Coding change: c.205+2T>C on transcript NM_032043.3 (MANE Select); the canonical splice donor site of the intron after coding-DNA position 205, T replaced by C.
Molecular consequence: splice donor variant.
Genome position (GRCh38, 1-based): chr17:61,859,794, A>G on the plus strand (T>C on the coding strand, the complement: BRIP1 is on the minus strand). VCF-style: chr17-61859794-A-G. GRCh37 (hg19) VCF-style: chr17-59937155-A-G.
Identifiers: ClinVar variation 1325376 (VCV001325376.6), dbSNP rs1060501763, ClinGen allele CA400485637.